The following is an entry in ClinVar:

NM_000083.3(CLCN1):c.1930+182G>A

Gene: CLCN1 (chloride voltage-gated channel 1; plus strand). Cytogenetic location: 7q34.
Variant type: single nucleotide variant.
Coding change: c.1930+182G>A on transcript NM_000083.3 (MANE Select); 182 bases into the intron after coding-DNA position 1930, G replaced by A.
Molecular consequence: intron variant.
Genome position (GRCh38, 1-based): chr7:143,342,687, G>A. VCF-style: chr7-143342687-G-A. GRCh37 (hg19) VCF-style: chr7-143039780-G-A.
Identifiers: ClinVar variation 680142 (VCV000680142.1), dbSNP rs62471044, ClinGen allele CA12523743.

ClinVar aggregate classification (germline): Benign (1 of 4 stars; one submission).

Allele frequency attached by ClinVar (database versions not stated): 1000 Genomes Project 0.18450; 1000 Genomes Project 30x 0.18941; TOPMed 0.19479; gnomAD 0.19629 and 0.19694.
gnomAD v4.1: 29,767 of 152,052 alleles (20%); highest among the groups gnomAD compares: Non-Finnish European, 22%; 2,953 homozygotes.

Submission:

GeneDx
Classification: Benign. Last evaluated: 2018-06-14. Review status: criteria provided, single submitter. Criteria: GeneDx Variant Classification (06012015). Collection method: clinical testing. Allele origin: germline. Affected: yes.
Comment: This variant is considered likely benign or benign based on one or more of the following criteria: it is a conservative change, it occurs at a poorly conserved position in the protein, it is predicted to be benign by multiple in silico algorithms, and/or has population frequency not consistent with disease.